The following is an entry in ClinVar:

ClinVar aggregate classification (germline): Conflicting classifications of pathogenicity. Review status: criteria provided, conflicting classifications (1 of 4 stars). 4 submissions from 4 submitters: Likely pathogenic (2); Uncertain significance (2). Last evaluated 2026-08-17.

Conditions:
Hereditary nonpolyposis colorectal neoplasms. Identifiers: MedGen C0009405, MeSH D003123.
Hereditary cancer-predisposing syndrome. Also called: Neoplastic Syndromes, Hereditary; Hereditary Cancer Syndrome; Tumor predisposition; Hereditary neoplastic syndrome. Identifiers: Orphanet 140162, MedGen C0027672, MeSH D009386, MONDO:0015356.
Endometrial carcinoma. Also called: Endometrial carcinoma, somatic. Identifiers: MedGen C0476089, MONDO:0002447, OMIM 608089, HP:0012114.
Mismatch repair cancer syndrome 3. Identifiers: MedGen C5436807, MONDO:0030841, OMIM 619097.
Lynch syndrome 5 (LYNCH5). Also called: Hereditary non-polyposis colorectal cancer, type 5; Colorectal cancer, hereditary nonpolyposis, type 5. Identifiers: Orphanet 144, MedGen C1833477, MONDO:0013710, OMIM 614350. Disease mechanism: loss of function.

Submissions (4):

Ambry Genetics
Classification: Likely pathogenic for Hereditary cancer-predisposing syndrome. Last evaluated: 2026-08-17. Review status: criteria provided, single submitter. Criteria: Ambry Variant Classification Scheme 2023. Collection method: clinical testing. Allele origin: germline.
Comment: The p.G520D variant (also known as c.1559G>A), located in coding exon 4 of the MSH6 gene, results from a G to A substitution at nucleotide position 1559. The glycine at codon 520 is replaced by aspartic acid, an amino acid with similar properties. In an in vitro complementation assay testing mismatch repair activity, this variant was reported to be functionally deficient (Drost M et al. Genet Med, 2020 May;22:847-856). This amino acid position is highly conserved in available vertebrate species. In addition, this alteration is predicted to be deleterious by in silico analysis. This variant is considered to be rare based on population cohorts in the Genome Aggregation Database (gnomAD). Based on the majority of available evidence to date, this variant is likely to be pathogenic.

Myriad Genetics, Inc.
Classification: Likely pathogenic for Lynch syndrome 5. Last evaluated: 2023-08-14. Review status: criteria provided, single submitter. Criteria: Myriad Autosomal Dominant, Autosomal Recessive and X-Linked Classification Criteria (2023). Collection method: clinical testing. Allele origin: unknown.
Comment: This variant is considered likely pathogenic. Functional studies indicate this variant impacts protein function [PMID: 31965077]. This variant is expected to disrupt protein structure [Myriad internal data].

Department of Pathology and Laboratory Medicine, Sinai Health System
Classification: Uncertain significance for Endometrial carcinoma; Lynch syndrome 5; Mismatch repair cancer syndrome 3. Last evaluated: 2022-08-12. Review status: criteria provided, single submitter. Criteria: ACMG Guidelines, 2015. Collection method: clinical testing. Allele origin: germline.

Labcorp Genetics (formerly Invitae), Labcorp
Classification: Uncertain significance for Hereditary nonpolyposis colorectal neoplasms. Last evaluated: 2019-07-08. Review status: criteria provided, single submitter. Criteria: Invitae Variant Classification Sherloc (09022015). Collection method: clinical testing. Allele origin: germline.
Comment: In summary, the available evidence is currently insufficient to determine the role of this variant in disease. Therefore, it has been classified as a Variant of Uncertain Significance. Algorithms developed to predict the effect of missense changes on protein structure and function are either unavailable or do not agree on the potential impact of this missense change (SIFT: "Deleterious"; PolyPhen-2: "Probably Damaging"; Align-GVGD: "Class C15"). This variant has not been reported in the literature in individuals with MSH6-related conditions. This variant is not present in population databases (ExAC no frequency). This sequence change replaces glycine with aspartic acid at codon 520 of the MSH6 protein (p.Gly520Asp). The glycine residue is highly conserved and there is a moderate physicochemical difference between glycine and aspartic acid.

Literature cited by the submitters: PubMed 31965077 (cited by Ambry Genetics and Myriad Genetics, Inc.).

NM_000179.3(MSH6):c.1559G>A (p.Gly520Asp)

Gene: MSH6 (mutS homolog 6; plus strand). Cytogenetic location: 2p16.3.
Variant type: single nucleotide variant.
Coding change: c.1559G>A on transcript NM_000179.3 (MANE Select); coding-DNA position 1559, G replaced by A.
Protein change: p.Gly520Asp; replaces glycine 520 with aspartic acid.
Molecular consequence: missense variant.
Genome position (GRCh38, 1-based): chr2:47,799,542, G>A. VCF-style: chr2-47799542-G-A. GRCh37 (hg19) VCF-style: chr2-48026681-G-A.
Other names: c.1169G>A, p.Gly390Asp (NM_001281492.2); c.653G>A, p.Gly218Asp (NM_001281493.2, NM_001281494.2); short protein forms G390D, G218D, G520D.
Identifiers: ClinVar variation 951718 (VCV000951718.15), dbSNP rs1669344619, ClinGen allele CA346746712.